The following is an entry in ClinVar:

NM_018896.5(CACNA1G):c.2755-5C>T

Gene: CACNA1G (calcium voltage-gated channel subunit alpha1 G; plus strand). Cytogenetic location: 17q21.33.
Variant type: single nucleotide variant.
Coding change: c.2755-5C>T on transcript NM_018896.5 (MANE Select); 5 bases into the intron before coding-DNA position 2755, C replaced by T.
Molecular consequence: intron variant.
Genome position (GRCh38, 1-based): chr17:50,591,932, C>T. VCF-style: chr17-50591932-C-T. GRCh37 (hg19) VCF-style: chr17-48669293-C-T.
Other names: c.2755-5C>T (NM_001256325.2, NM_198377.3, NM_198380.3 and 25 more transcripts).
Identifiers: ClinVar variation 1904568 (VCV001904568.8), dbSNP rs926026679, ClinGen allele CA626691198.
Genomic context (GRCh38, chr17:50,591,932, plus strand): 5'-AGGGCGTGGACAGGGGCCGTCAGGTGCCCCTAGTATAGGCCCTGATTCCTGTCTTCTGCC[C>T]GCAGATCCTGACCCAGGAGGACTGGAACAAAGTCCTCTACAATGGTATGGCCTCCACGTC-3'

ClinVar aggregate classification (germline): Likely benign. Review status: criteria provided, multiple submitters, no conflicts (2 of 4 stars). 3 submissions from 3 submitters: Likely benign (2). 1 of the submissions does not count toward it. Last evaluated 2024-04-25.

Conditions:
CACNA1G-related disorder. Also called: CACNA1G-related disorders; CACNA1G-related condition.

Allele frequency attached by ClinVar (database versions not stated): TOPMed 0.00002; gnomAD 0.00003.
gnomAD v4.1: 19 of 1,613,936 alleles (0.0012%); highest among the groups gnomAD compares: East Asian, 0.0067%; no homozygotes.

Submissions (3):

Blueprint Genetics
Classification: Likely benign. Last evaluated: 2024-04-25. Review status: criteria provided, single submitter. Criteria: ACMG Guidelines, 2015. Collection method: clinical testing. Allele origin: germline.

Labcorp Genetics (formerly Invitae), Labcorp
Classification: Likely benign. Last evaluated: 2022-11-15. Review status: criteria provided, single submitter. Criteria: Invitae Variant Classification Sherloc (09022015). Collection method: clinical testing. Allele origin: germline.

PreventionGenetics, part of Exact Sciences
Classification: Likely benign for CACNA1G-related condition. Last evaluated: 2019-12-16. Review status: no assertion criteria provided. Collection method: clinical testing. Allele origin: germline. Not counted in ClinVar's aggregate classification.
Comment: This variant is classified as likely benign based on ACMG/AMP sequence variant interpretation guidelines (Richards et al. 2015 PMID: 25741868, with internal and published modifications).